The following is an entry in ClinVar:

ClinVar aggregate classification (germline): Uncertain significance (1 of 4 stars; one submission).

gnomAD v4.1: 3 of 1,593,896 alleles (0.00019%); highest among the groups gnomAD compares: African/African-American, 0.0014%; no homozygotes.

Submission:

Labcorp Genetics (formerly Invitae), Labcorp
Classification: Uncertain significance. Last evaluated: 2025-02-19. Review status: criteria provided, single submitter. Criteria: Invitae Variant Classification Sherloc (09022015). Collection method: clinical testing. Allele origin: germline.
Comment: This sequence change falls in intron 7 of the SCLT1 gene. It does not directly change the encoded amino acid sequence of the SCLT1 protein. It affects a nucleotide within the consensus splice site. This variant is not present in population databases (gnomAD no frequency). This variant has not been reported in the literature in individuals affected with SCLT1-related conditions. Variants that disrupt the consensus splice site are a relatively common cause of aberrant splicing (PMID: 17576681, 9536098). Algorithms developed to predict the effect of sequence changes on RNA splicing suggest that this variant may disrupt the consensus splice site. In summary, the available evidence is currently insufficient to determine the role of this variant in disease. Therefore, it has been classified as a Variant of Uncertain Significance.

Literature cited by the submitters: PubMed 17576681; PubMed 9536098.

NM_144643.4(SCLT1):c.549+3A>C

Gene: SCLT1 (sodium channel and clathrin linker 1; minus strand). Cytogenetic location: 4q28.2.
Variant type: single nucleotide variant.
Coding change: c.549+3A>C on transcript NM_144643.4 (MANE Select); 3 bases into the intron after coding-DNA position 549, A replaced by C.
Molecular consequence: intron variant.
Genome position (GRCh38, 1-based): chr4:128,999,669, T>G on the plus strand (A>C on the coding strand, the complement: SCLT1 is on the minus strand). VCF-style: chr4-128999669-T-G. GRCh37 (hg19) VCF-style: chr4-129920824-T-G.
Other names: c.549+3A>C (NM_001410807.1).
Identifiers: ClinVar variation 4798167 (VCV004798167.1).
Genomic context (GRCh38, chr4:128,999,669, plus strand): 5'-AACAGTTTCTTCAGAGTGCAATTTCTTATTGATATACAAGAAAATGATGAAATCCAAGAT[T>G]ACCTTTTGTTTTTGACTTTCAAATACATGAATCTGGGCCTCAGTCATATGTTCCTGGTAA-3'